The following is an entry in ClinVar:

ClinVar aggregate classification (germline): Uncertain significance. Review status: criteria provided, multiple submitters, no conflicts (2 of 4 stars). 2 submissions from 2 submitters: Uncertain significance (2). Last evaluated 2025-09-04.

Allele frequency attached by ClinVar (database versions not stated): TOPMed 0.00003; gnomAD 0.00004; ExAC 0.00005; 1000 Genomes Project 30x 0.00031; 1000 Genomes Project 0.00040.
gnomAD v4.1: 35 of 1,614,158 alleles (0.0022%); highest among the groups gnomAD compares: East Asian, 0.011%; no homozygotes.

Submissions (2):

Labcorp Genetics (formerly Invitae), Labcorp
Classification: Uncertain significance. Last evaluated: 2025-09-04. Review status: criteria provided, single submitter. Criteria: Invitae Variant Classification Sherloc (09022015). Collection method: clinical testing. Allele origin: germline.
Comment: This sequence change replaces aspartic acid, which is acidic and polar, with asparagine, which is neutral and polar, at codon 1174 of the NPAT protein (p.Asp1174Asn). This variant is present in population databases (rs140442354, gnomAD 0.03%). This variant has not been reported in the literature in individuals affected with NPAT-related conditions. ClinVar contains an entry for this variant (Variation ID: 2496664). An algorithm developed to predict the effect of missense changes on protein structure and function (PolyPhen-2) suggests that this variant is likely to be disruptive. In summary, the available evidence is currently insufficient to determine the role of this variant in disease. Therefore, it has been classified as a Variant of Uncertain Significance.

Ambry Genetics
Classification: Uncertain significance. Last evaluated: 2023-03-22. Review status: criteria provided, single submitter. Criteria: Ambry Variant Classification Scheme 2023. Collection method: clinical testing. Allele origin: germline.

NM_002519.3(NPAT):c.3520G>A (p.Asp1174Asn)

Gene: NPAT (nuclear protein, coactivator of histone transcription; minus strand). Cytogenetic location: 11q22.3.
Variant type: single nucleotide variant.
Coding change: c.3520G>A on transcript NM_002519.3 (MANE Select); coding-DNA position 3520, G replaced by A.
Protein change: p.Asp1174Asn; replaces aspartic acid 1174 with asparagine.
Molecular consequence: missense variant.
Genome position (GRCh38, 1-based): chr11:108,161,566, C>T on the plus strand (G>A on the coding strand, the complement: NPAT is on the minus strand). VCF-style: chr11-108161566-C-T. GRCh37 (hg19) VCF-style: chr11-108032293-C-T.
Other names: c.3541G>A, p.Asp1181Asn (NM_001321307.1); short protein forms D1174N, D1181N.
Identifiers: ClinVar variation 2496664 (VCV002496664.3), dbSNP rs140442354, ClinGen allele CA6263569.
Genomic context (GRCh38, chr11:108,161,566, plus strand): 5'-CCCCATTTTGCTGCCCAATAGATAGTTTTGAATTTTCTGGATTTTTCTGTCTTTCTACAT[C>T]GCTGCATAATTCATTCTCCTTATTAGCTGTTGCTTTATGGAAAGATTCAAGCACAATTTC-3'
Protein context (NP_002510.2, residues 1164-1184): TANKENELCS[Asp1174Asn]VERQKNPENS